The following is an entry in ClinVar:

ClinVar aggregate classification (germline): Pathogenic (1 of 4 stars; one submission).

Conditions:
Familial thoracic aortic aneurysm and aortic dissection (TAAD). Also called: Thoracic aortic aneurysms and dissections. Identifiers: Orphanet 91387, MedGen C4707243, MONDO:0019625.

Submission:

Ambry Genetics
Classification: Pathogenic for Familial thoracic aortic aneurysm and aortic dissection. Last evaluated: 2021-04-28. Review status: criteria provided, single submitter. Criteria: Ambry Variant Classification Scheme 2023. Collection method: clinical testing. Allele origin: germline.
Comment: The c.4942+2T>G intronic pathogenic mutation results from a T to G substitution two nucleotides after coding exon 39 in the FBN1 gene. Alterations that disrupt the canonical splice site are expected to result in aberrant splicing. In silico splice site analysis predicts that this alteration will weaken the native splice donor site and may result in the creation or strengthening of a novel splice donor site. The resulting transcript is predicted to be in-frame and is not expected to trigger nonsense-mediated mRNAdecay; however, direct evidence is unavailable. The exact functional effect of the missing amino acids is unknown; however, the impacted region is critical for protein function (Ambry internal data). An alteration affecting the same nucleotide, c.4942+2T>C, has been reported in association with Marfan syndrome (Tjeldhorn L et al. Genet. Test., 2006;10:258-64; Wang WJ et al. J. Mol. Med., 2013 Jan;91:37-47). Based on the supporting evidence, this alteration is interpreted as a disease-causing mutation.

Literature cited by the submitters: PubMed 17253931; PubMed 22772377.

NM_000138.5(FBN1):c.4942+2T>G

Gene: FBN1 (fibrillin 1; minus strand). Cytogenetic location: 15q21.1.
Variant type: single nucleotide variant.
Coding change: c.4942+2T>G on transcript NM_000138.5 (MANE Select); the canonical splice donor site of the intron after coding-DNA position 4942, T replaced by G.
Molecular consequence: splice donor variant.
Genome position (GRCh38, 1-based): chr15:48,465,566, A>C on the plus strand (T>G on the coding strand, the complement: FBN1 is on the minus strand). VCF-style: chr15-48465566-A-C. GRCh37 (hg19) VCF-style: chr15-48757763-A-C.
Other names: c.4942+2T>G (NM_001406716.1).
Identifiers: ClinVar variation 1744284 (VCV001744284.2), dbSNP rs2141269534, ClinGen allele CA392351043.
Genomic context (GRCh38, chr15:48,465,566, plus strand): 5'-CTGGTTTTGCAGGTCAGTTCTTGATATCTGCAAGACCTTATCATCCTACCAGGACCATTT[A>C]CCATCACACACTCGTGTATCTTCATTCAGGTAGTAGCCGGTTGGACAGCGGCACTGGAAA-3'